The following is an entry in ClinVar:

NM_015559.3(SETBP1):c.4304A>G (p.Lys1435Arg)

Gene: SETBP1 (SET binding protein 1; plus strand). Cytogenetic location: 18q12.3.
Variant type: single nucleotide variant.
Coding change: c.4304A>G on transcript NM_015559.3 (MANE Select); coding-DNA position 4304, A replaced by G.
Protein change: p.Lys1435Arg; replaces lysine 1435 with arginine.
Molecular consequence: missense variant.
Genome position (GRCh38, 1-based): chr18:45,063,211, A>G. VCF-style: chr18-45063211-A-G. GRCh37 (hg19) VCF-style: chr18-42643176-A-G.
Other names: c.4304A>G, p.Lys1435Arg (NM_001379141.1, NM_001379142.1); c.4133A>G, p.Lys1378Arg (NM_001410862.1); short protein forms K1378R, K1435R.
Identifiers: ClinVar variation 4775669 (VCV004775669.1).

ClinVar aggregate classification (germline): Uncertain significance (1 of 4 stars; one submission).

Submission:

Labcorp Genetics (formerly Invitae), Labcorp
Classification: Uncertain significance. Last evaluated: 2025-05-01. Review status: criteria provided, single submitter. Criteria: Invitae Variant Classification Sherloc (09022015). Collection method: clinical testing. Allele origin: germline.
Comment: This sequence change replaces lysine, which is basic and polar, with arginine, which is basic and polar, at codon 1435 of the SETBP1 protein (p.Lys1435Arg). This variant is not present in population databases (gnomAD no frequency). This variant has not been reported in the literature in individuals affected with SETBP1-related conditions. Invitae Evidence Modeling of protein sequence and biophysical properties (such as structural, functional, and spatial information, amino acid conservation, physicochemical variation, residue mobility, and thermodynamic stability) indicates that this missense variant is not expected to disrupt SETBP1 protein function with a negative predictive value of 80%. In summary, the available evidence is currently insufficient to determine the role of this variant in disease. Therefore, it has been classified as a Variant of Uncertain Significance.